The following is an entry in ClinVar:

NM_003107.3(SOX4):c.1177G>A (p.Gly393Ser)

Gene: SOX4 (SRY-box transcription factor 4; plus strand). Cytogenetic location: 6p22.3.
Variant type: single nucleotide variant.
Coding change: c.1177G>A on transcript NM_003107.3 (MANE Select); coding-DNA position 1177, G replaced by A.
Protein change: p.Gly393Ser; replaces glycine 393 with serine.
Molecular consequence: missense variant.
Genome position (GRCh38, 1-based): chr6:21,595,711, G>A. VCF-style: chr6-21595711-G-A. GRCh37 (hg19) VCF-style: chr6-21595942-G-A.
Other names: short protein forms G393S.
Identifiers: ClinVar variation 2412935 (VCV002412935.3), dbSNP rs2532641642, ClinGen allele CA363272096.

ClinVar aggregate classification (germline): Uncertain significance (1 of 4 stars; one submission).

Allele frequency attached by ClinVar (database versions not stated): gnomAD exomes below 0.00001.
gnomAD v4.1: 1 of 1,606,540 alleles (0.000062%); highest among the groups gnomAD compares: Non-Finnish European, 0.000085%; no homozygotes.

Submission:

GeneDx
Classification: Uncertain significance. Last evaluated: 2022-07-22. Review status: criteria provided, single submitter. Criteria: GeneDx Variant Classification Process June 2021. Collection method: clinical testing. Allele origin: germline. Affected: yes.
Comment: Not observed at significant frequency in large population cohorts (gnomAD); In silico analysis supports that this missense variant does not alter protein structure/function; Has not been previously published as pathogenic or benign to our knowledge